The following is an entry in ClinVar:

ClinVar aggregate classification (germline): Uncertain significance (1 of 4 stars; one submission).

Conditions:
Charcot-Marie-Tooth disease type 2. Also called: Charcot-Marie-Tooth type 2. Identifiers: Orphanet 64746, MedGen C0270914, MONDO:0018993.

Allele frequency attached by ClinVar (database versions not stated): gnomAD 0.00001; TOPMed 0.00001; gnomAD exomes 0.00001; ExAC 0.00005.
gnomAD v4.1: 7 of 1,612,440 alleles (0.00043%); highest among the groups gnomAD compares: Non-Finnish European, 0.00051%; no homozygotes.

Submission:

Labcorp Genetics (formerly Invitae), Labcorp
Classification: Uncertain significance for Charcot-Marie-Tooth disease type 2. Last evaluated: 2024-01-22. Review status: criteria provided, single submitter. Criteria: Invitae Variant Classification Sherloc (09022015). Collection method: clinical testing. Allele origin: germline.
Comment: This sequence change replaces lysine, which is basic and polar, with glutamic acid, which is acidic and polar, at codon 108 of the LMNA protein (p.Lys108Glu). This variant is present in population databases (rs771065515, gnomAD 0.006%). This missense change has been observed in individual(s) with clinical features of dilated cardiomyopathy (PMID: 29095976). Advanced modeling of protein sequence and biophysical properties (such as structural, functional, and spatial information, amino acid conservation, physicochemical variation, residue mobility, and thermodynamic stability) performed at Invitae indicates that this missense variant is expected to disrupt LMNA protein function with a positive predictive value of 95%. In summary, the available evidence is currently insufficient to determine the role of this variant in disease. Therefore, it has been classified as a Variant of Uncertain Significance.

Literature cited by the submitters: PubMed 29095976.

NM_170707.4(LMNA):c.322A>G (p.Lys108Glu)

Gene: LMNA (lamin A/C; plus strand). Cytogenetic location: 1q22.
Variant type: single nucleotide variant.
Coding change: c.322A>G on transcript NM_170707.4 (MANE Select); coding-DNA position 322, A replaced by G.
Protein change: p.Lys108Glu; replaces lysine 108 with glutamic acid.
Molecular consequence: missense variant. On other transcripts: 5 prime UTR variant (8), intron variant (2).
Genome position (GRCh38, 1-based): chr1:156,115,240, A>G. VCF-style: chr1-156115240-A-G. GRCh37 (hg19) VCF-style: chr1-156085031-A-G.
Other names: c.322A>G, p.Lys108Glu (NM_001282625.2, NM_001282626.2, NM_001406983.1 and 6 more transcripts); c.-102A>G (NM_001406986.1); c.-80A>G (NM_001406990.1, NM_001406995.1, NM_001407002.1); c.-343A>G (NM_001406994.1, NM_001407000.1); c.-523A>G (NM_001406999.1); c.-186A>G (NM_001407001.1); c.-203+8417A>G (NM_001406993.1, NM_001407003.1); short protein forms K108E.
Identifiers: ClinVar variation 2733991 (VCV002733991.3), dbSNP rs771065515, ClinGen allele CA052222.